The following is an entry in ClinVar:

ClinVar aggregate classification (germline): Uncertain significance (1 of 4 stars; one submission).

Conditions:
Hereditary cancer-predisposing syndrome. Also called: Hereditary Cancer Syndrome; Hereditary neoplastic syndrome; Neoplastic Syndromes, Hereditary; Tumor predisposition. Identifiers: Orphanet 140162, MedGen C0027672, MeSH D009386, MONDO:0015356.

Submission:

Ambry Genetics
Classification: Uncertain significance for Hereditary cancer-predisposing syndrome. Last evaluated: 2021-03-26. Review status: criteria provided, single submitter. Criteria: Ambry Variant Classification Scheme 2023. Collection method: clinical testing. Allele origin: germline.
Comment: The p.G501A variant (also known as c.1502G>C), located in coding exon 5 of the AXIN2 gene, results from a G to C substitution at nucleotide position 1502. The glycine at codon 501 is replaced by alanine, an amino acid with similar properties. This amino acid position is not well conserved in available vertebrate species. In addition, this alteration is predicted to be tolerated by in silico analysis. Since supporting evidence is limited at this time, the clinical significance of this alteration remains unclear.

NM_004655.4(AXIN2):c.1502G>C (p.Gly501Ala)

Gene: AXIN2 (axin 2; minus strand). Cytogenetic location: 17q24.1.
Variant type: single nucleotide variant.
Coding change: c.1502G>C on transcript NM_004655.4 (MANE Select); coding-DNA position 1502, G replaced by C.
Protein change: p.Gly501Ala; replaces glycine 501 with alanine.
Molecular consequence: missense variant.
Genome position (GRCh38, 1-based): chr17:65,537,534, C>G on the plus strand (G>C on the coding strand, the complement: AXIN2 is on the minus strand). VCF-style: chr17-65537534-C-G. GRCh37 (hg19) VCF-style: chr17-63533652-C-G.
Other names: c.1502G>C, p.Gly501Ala (NM_001363813.1); short protein forms G501A.
Identifiers: ClinVar variation 1774043 (VCV001774043.2), dbSNP rs779029020, ClinGen allele CA400677382.
Genomic context (GRCh38, chr17:65,537,534, plus strand): 5'-TGGTGGATGTAGTGGTGGTGGACATGCTTCGTCGTCTGCTTGGTCACAAAGCCTTTGCCC[C>G]CGAGGAGGGGGCAGGCGCCCGGCGAGGCGGCCGCGGGAGGCAGCTTGCCACCGGGCGGGA-3'
Protein context (NP_004646.3, residues 491-511): AASPGACPLL[Gly501Ala]GKGFVTKQTT